The following is an entry in ClinVar:

NM_198859.4(PRICKLE2):c.1862_1864del (p.Leu621del)

Genes: PRICKLE2 (prickle planar cell polarity protein 2; minus strand), PRICKLE2-AS1 (PRICKLE2 antisense RNA 1; plus strand). Cytogenetic location: 3p14.1.
Variant type: Deletion.
Coding change: c.1862_1864del on transcript NM_198859.4 (MANE Select); coding-DNA positions 1862 to 1864, 3 bases deleted (TCC; older notation c.1862_1864delTCC).
Protein change: p.Leu621del; deletes leucine 621.
Molecular consequence: inframe deletion. On other transcripts: non-coding transcript variant (1).
Genome position (GRCh38, 1-based): chr3:64,099,722-64,099,724, GGA deleted on the plus strand (TCC on the coding strand, the reverse complement: PRICKLE2 is on the minus strand); deleting any 3 consecutive bases within chr3:64,099,722-64,099,726 gives the same sequence; the c. name uses the placement nearest the transcript's 3' end. VCF-style (leftmost placement, unchanged base first): chr3-64099721-TGGA-T. GRCh37 (hg19) VCF-style: chr3-64085397-TGGA-T.
Other names: c.1862_1864del, p.Leu621del (NM_001370528.1); short protein forms L621del.
Identifiers: ClinVar variation 1372929 (VCV001372929.8), dbSNP rs2076624394, ClinGen allele CA1370512098.

ClinVar aggregate classification (germline): Uncertain significance (1 of 4 stars; one submission).

Conditions:
Progressive myoclonic epilepsy type 5. Identifiers: Orphanet 402082, MedGen C5190799.

Submission:

Labcorp Genetics (formerly Invitae), Labcorp
Classification: Uncertain significance for Progressive myoclonic epilepsy type 5. Last evaluated: 2021-03-27. Review status: criteria provided, single submitter. Criteria: Invitae Variant Classification Sherloc (09022015). Collection method: clinical testing. Allele origin: germline.
Comment: This variant, c.1862_1864del, results in the deletion of 1 amino acid(s) of the PRICKLE2 protein (p.Leu621del), but otherwise preserves the integrity of the reading frame. In summary, the available evidence is currently insufficient to determine the role of this variant in disease. Therefore, it has been classified as a Variant of Uncertain Significance. Experimental studies and prediction algorithms are not available or were not evaluated, and the functional significance of this variant is currently unknown. This variant has not been reported in the literature in individuals with PRICKLE2-related conditions. This variant is not present in population databases (ExAC no frequency).